The following is an entry in ClinVar:

ClinVar aggregate classification (germline): Uncertain significance (1 of 4 stars; one submission).

Allele frequency attached by ClinVar (database versions not stated): ExAC 0.00001; gnomAD 0.00001; gnomAD exomes 0.00001; TOPMed 0.00001.

Submission:

Labcorp Genetics (formerly Invitae), Labcorp
Classification: Uncertain significance. Last evaluated: 2024-07-23. Review status: criteria provided, single submitter. Criteria: Invitae Variant Classification Sherloc (09022015). Collection method: clinical testing. Allele origin: germline.
Comment: This sequence change replaces arginine, which is basic and polar, with histidine, which is basic and polar, at codon 92 of the POLD2 protein (p.Arg92His). This variant is present in population databases (rs748660155, gnomAD 0.006%). This variant has not been reported in the literature in individuals affected with POLD2-related conditions. ClinVar contains an entry for this variant (Variation ID: 2092427). Experimental studies and prediction algorithms are not available or were not evaluated, and the functional significance of this variant is currently unknown. In summary, the available evidence is currently insufficient to determine the role of this variant in disease. Therefore, it has been classified as a Variant of Uncertain Significance.

NM_006230.4(POLD2):c.170G>A (p.Arg57His)

Gene: POLD2 (DNA polymerase delta 2, accessory subunit; minus strand). Cytogenetic location: 7p13.
Variant type: single nucleotide variant.
Coding change: c.170G>A on transcript NM_006230.4 (MANE Select); coding-DNA position 170, G replaced by A.
Protein change: p.Arg57His; replaces arginine 57 with histidine.
Molecular consequence: missense variant.
Genome position (GRCh38, 1-based): chr7:44,121,884, C>T on the plus strand (G>A on the coding strand, the complement: POLD2 is on the minus strand). VCF-style: chr7-44121884-C-T. GRCh37 (hg19) VCF-style: chr7-44161483-C-T.
Other names: c.170G>A, p.Arg57His (NM_001127218.3, NM_001256879.2); short protein forms R57H.
Identifiers: ClinVar variation 2092427 (VCV002092427.4), dbSNP rs748660155, ClinGen allele CA4238968.